The following is an entry in ClinVar:

NM_014915.3(ANKRD26):c.3841G>T (p.Val1281Phe)

Gene: ANKRD26 (ankyrin repeat domain 26; minus strand). Cytogenetic location: 10p12.1.
Variant type: single nucleotide variant.
Coding change: c.3841G>T on transcript NM_014915.3 (MANE Select); coding-DNA position 3841, G replaced by T.
Protein change: p.Val1281Phe; replaces valine 1281 with phenylalanine.
Molecular consequence: missense variant.
Genome position (GRCh38, 1-based): chr10:27,029,323, C>A on the plus strand (G>T on the coding strand, the complement: ANKRD26 is on the minus strand). VCF-style: chr10-27029323-C-A. GRCh37 (hg19) VCF-style: chr10-27318252-C-A.
Other names: c.3838G>T, p.Val1280Phe (NM_001256053.2); short protein forms V1280F, V1281F.
Identifiers: ClinVar variation 4825292 (VCV004825292.1).

ClinVar aggregate classification (germline): Uncertain significance (1 of 4 stars; one submission).

Conditions:
Inborn genetic diseases. Identifiers: MedGen C0950123, MeSH D030342.

gnomAD v4.1: 1 of 1,612,948 alleles (0.000062%); highest among the groups gnomAD compares: African/African-American, 0.0013%; no homozygotes.

Submission:

Ambry Genetics
Classification: Uncertain significance for Inborn genetic diseases. Last evaluated: 2026-02-28. Review status: criteria provided, single submitter. Criteria: Ambry Variant Classification Scheme 2023. Collection method: clinical testing. Allele origin: germline.
Comment: The p.V1281F variant (also known as c.3841G>T), located in coding exon 26 of the ANKRD26 gene, results from a G to T substitution at nucleotide position 3841. The valine at codon 1281 is replaced by phenylalanine, an amino acid with highly similar properties. This amino acid position is conserved. In addition, this alteration is predicted to be tolerated by in silico analysis. Based on the available evidence, the clinical significance of this variant remains unclear.